The following is an entry in ClinVar:

ClinVar aggregate classification (germline): Likely pathogenic (1 of 4 stars; one submission).

Submission:

Labcorp Genetics (formerly Invitae), Labcorp
Classification: Likely pathogenic. Last evaluated: 2023-01-08. Review status: criteria provided, single submitter. Criteria: Invitae Variant Classification Sherloc (09022015). Collection method: clinical testing. Allele origin: germline.
Comment: This variant has not been reported in the literature in individuals affected with EIF2B4-related conditions. This variant is not present in population databases (gnomAD no frequency). This sequence change affects a donor splice site in intron 10 of the EIF2B4 gene. It is expected to disrupt RNA splicing. Variants that disrupt the donor or acceptor splice site typically lead to a loss of protein function (PMID: 16199547), and loss-of-function variants in EIF2B4 are known to be pathogenic (PMID: 11835386, 15776425, 16807905). Algorithms developed to predict the effect of sequence changes on RNA splicing suggest that this variant may disrupt the consensus splice site. In summary, the currently available evidence indicates that the variant is pathogenic, but additional data are needed to prove that conclusively. Therefore, this variant has been classified as Likely Pathogenic.

Literature cited by the submitters: PubMed 16199547; PubMed 11835386; PubMed 15776425; PubMed 16807905.

NM_001034116.2(EIF2B4):c.1013+1G>T

Genes: EIF2B4 (eukaryotic translation initiation factor 2B subunit delta; minus strand), GTF3C2-AS2 (GTF3C2 antisense RNA 2; plus strand). Cytogenetic location: 2p23.3.
Variant type: single nucleotide variant.
Coding change: c.1013+1G>T on transcript NM_001034116.2 (MANE Select); the canonical splice donor site of the intron after coding-DNA position 1013, G replaced by T.
Molecular consequence: splice donor variant.
Genome position (GRCh38, 1-based): chr2:27,367,073, C>A on the plus strand (G>T on the coding strand, the complement: EIF2B4 is on the minus strand). VCF-style: chr2-27367073-C-A. GRCh37 (hg19) VCF-style: chr2-27589940-C-A.
Other names: c.920+1G>T (NM_001318967.2); c.1010+1G>T (NM_015636.4); c.395+1G>T (NM_001318969.2); c.968+1G>T (NM_001318966.2); c.1073+1G>T (NM_172195.4); c.428+1G>T (NM_001318968.2); c.1076+1G>T (NM_001318965.2).
Identifiers: ClinVar variation 2827149 (VCV002827149.3), dbSNP rs2465505781, ClinGen allele CA346198276.